The following is an entry in ClinVar:

ClinVar aggregate classification (germline): Uncertain significance. Review status: criteria provided, multiple submitters, no conflicts (2 of 4 stars). 5 submissions from 5 submitters: Uncertain significance (3). 2 of the submissions do not count toward it. Last evaluated 2024-03-04.

Conditions:
Cardiomyopathy (CMYO). Also called: Cardiomyopathies. Identifiers: Orphanet 167848, MedGen C0878544, MONDO:0004994, HP:0001638. Inheritance: Various modes of inheritance.
Hypertrophic cardiomyopathy. Also called: HYPERTROPHIC MYOCARDIOPATHY. Identifiers: Orphanet 217569, MedGen C0007194, MeSH D002312, MONDO:0005045, HP:0001639.

Submissions (5):

Color Diagnostics, LLC DBA Color Health
Classification: Uncertain significance for Cardiomyopathy. Last evaluated: 2024-03-04. Review status: criteria provided, single submitter. Criteria: ACMG Guidelines, 2015. Collection method: clinical testing. Allele origin: germline.
Comment: This missense variant replaces leucine with serine at codon 608 of the MYH7 protein. This variant is found within a highly conserved region of the myosin head domain. Missense variants in this region have been shown to be significantly overrepresented in individuals with affected with hypertrophic cardiomyopathy (PMID: 27532257). Computational prediction tools indicate that this variant has a deleterious impact on protein structure and function. To our knowledge, functional studies have not been reported for this variant. This variant has been reported in one individual affected with cardiomyopathy (PMID: 30847666). This variant has not been identified in the general population by the Genome Aggregation Database (gnomAD). The available evidence is insufficient to determine the role of this variant in disease conclusively. Therefore, this variant is classified as a Variant of Uncertain Significance.

All of Us Research Program, National Institutes of Health
Classification: Uncertain significance for Cardiomyopathy. Last evaluated: 2024-02-08. Review status: criteria provided, single submitter. Criteria: ACMG Guidelines, 2015. Collection method: clinical testing. Allele origin: germline. Inheritance: Autosomal dominant inheritance. Observed: 1 variant allele, 1 heterozygote.
Comment: This study involves interpretation of variants in research participants for the purpose of population health screening. Participant phenotype was not available at the time of variant classification. Additional details can be found in publication PMID: 35346344, PMCID: PMC8962531

Labcorp Genetics (formerly Invitae), Labcorp
Classification: Uncertain significance for Hypertrophic cardiomyopathy. Last evaluated: 2022-03-30. Review status: criteria provided, single submitter. Criteria: Invitae Variant Classification Sherloc (09022015). Collection method: clinical testing. Allele origin: germline.
Comment: In summary, the available evidence is currently insufficient to determine the role of this variant in disease. Therefore, it has been classified as a Variant of Uncertain Significance. This variant is found within a region of MYH7 between codons 181 and 937 that contains the majority of the myosin head domain. Missense variants in this region have been shown to be significantly overrepresented in individuals with hypertrophic cardiomyopathy (PMID: 27532257). Algorithms developed to predict the effect of missense changes on protein structure and function (SIFT, PolyPhen-2, Align-GVGD) all suggest that this variant is likely to be disruptive. ClinVar contains an entry for this variant (Variation ID: 1058351). This missense change has been observed in individual(s) with cardiomyopathy (PMID: 30847666). This variant is not present in population databases (gnomAD no frequency). This sequence change replaces leucine, which is neutral and non-polar, with serine, which is neutral and polar, at codon 608 of the MYH7 protein (p.Leu608Ser).

Diagnostic Laboratory, Department of Genetics, University Medical Center Groningen
Classification: Uncertain significance. Review status: no assertion criteria provided. Collection method: clinical testing. Allele origin: germline. Affected: yes. Study: VKGL Data-share Consensus. Not counted in ClinVar's aggregate classification.

Genome Diagnostics Laboratory, University Medical Center Utrecht
Classification: Uncertain significance. Review status: no assertion criteria provided. Collection method: clinical testing. Allele origin: germline. Affected: yes. Study: VKGL Data-share Consensus. Not counted in ClinVar's aggregate classification.

Literature cited by the submitters: PubMed 27532257 (cited by Color Diagnostics, LLC DBA Color Health and Labcorp Genetics (formerly Invitae), Labcorp); PubMed 30847666 (cited by Color Diagnostics, LLC DBA Color Health and Labcorp Genetics (formerly Invitae), Labcorp).

NM_000257.4(MYH7):c.1823T>C (p.Leu608Ser)

Gene: MYH7 (myosin heavy chain 7; minus strand). Cytogenetic location: 14q11.2.
Variant type: single nucleotide variant.
Coding change: c.1823T>C on transcript NM_000257.4 (MANE Select); coding-DNA position 1823, T replaced by C.
Protein change: p.Leu608Ser; replaces leucine 608 with serine.
Molecular consequence: missense variant.
Genome position (GRCh38, 1-based): chr14:23,427,650, A>G on the plus strand (T>C on the coding strand, the complement: MYH7 is on the minus strand). VCF-style: chr14-23427650-A-G. GRCh37 (hg19) VCF-style: chr14-23896859-A-G.
Other names: short protein forms L608S.
Identifiers: ClinVar variation 1058351 (VCV001058351.15), dbSNP rs2138671995, ClinGen allele CA389049745.